The following is an entry in ClinVar:

NM_147127.5(EVC2):c.1896C>A (p.Tyr632Ter)

Gene: EVC2 (EvC ciliary complex subunit 2; minus strand). Cytogenetic location: 4p16.2.
Variant type: single nucleotide variant.
Coding change: c.1896C>A on transcript NM_147127.5 (MANE Select); coding-DNA position 1896, C replaced by A.
Protein change: p.Tyr632Ter; replaces tyrosine 632 with a stop codon.
Molecular consequence: nonsense.
Genome position (GRCh38, 1-based): chr4:5,625,899, G>T on the plus strand (C>A on the coding strand, the complement: EVC2 is on the minus strand). VCF-style: chr4-5625899-G-T. GRCh37 (hg19) VCF-style: chr4-5627626-G-T.
Other names: c.1656C>A, p.Tyr552Ter (NM_001166136.2); short protein forms Y552*, Y632*.
Identifiers: ClinVar variation 1453412 (VCV001453412.8), dbSNP rs779707723, ClinGen allele CA2834888.

ClinVar aggregate classification (germline): Pathogenic/Likely pathogenic. Review status: criteria provided, multiple submitters, no conflicts (2 of 4 stars). 2 submissions from 2 submitters: Pathogenic (1); Likely pathogenic (1). Last evaluated 2024-03-13.

Conditions:
Ellis-van Creveld syndrome (EVC). Also called: EVC-Related Ellis-van Creveld Syndrome; EVC2-Related Ellis-van Creveld Syndrome; MESOECTODERMAL DYSPLASIA; Chondroectodermal dysplasia. Identifiers: Orphanet 289, MedGen C0013903, MONDO:0009162, OMIM 225500.
Curry-Hall syndrome (WAD). Also called: WEYERS ACRODENTAL DYSOSTOSIS. Identifiers: Orphanet 952, MedGen C0457013, MONDO:0008673, OMIM 193530.

Allele frequency attached by ClinVar (database versions not stated): gnomAD exomes 0.00002 and below 0.00001; ExAC 0.00002.
gnomAD v4.1: 2 of 1,613,932 alleles (0.00012%); highest among the groups gnomAD compares: East Asian, 0.0045%; no homozygotes.

Submissions (2):

Fulgent Genetics
Classification: Likely pathogenic for Curry-Hall syndrome; Ellis-van Creveld syndrome. Last evaluated: 2024-03-13. Review status: criteria provided, single submitter. Criteria: ACMG Guidelines, 2015. Collection method: clinical testing. Allele origin: germline.

Labcorp Genetics (formerly Invitae), Labcorp
Classification: Pathogenic for Curry-Hall syndrome; Ellis-van Creveld syndrome. Last evaluated: 2022-02-10. Review status: criteria provided, single submitter. Criteria: Invitae Variant Classification Sherloc (09022015). Collection method: clinical testing. Allele origin: germline.
Comment: This sequence change creates a premature translational stop signal (p.Tyr632*) in the EVC2 gene. It is expected to result in an absent or disrupted protein product. Loss-of-function variants in EVC2 are known to be pathogenic (PMID: 17024374, 19810119, 19876929). This variant is present in population databases (rs779707723, gnomAD 0.02%). This variant has not been reported in the literature in individuals affected with EVC2-related conditions. Algorithms developed to predict the effect of sequence changes on RNA splicing suggest that this variant may create or strengthen a splice site. For these reasons, this variant has been classified as Pathogenic.

Literature cited by the submitters: PubMed 17024374 (cited by Labcorp Genetics (formerly Invitae), Labcorp); PubMed 19810119 (cited by Labcorp Genetics (formerly Invitae), Labcorp); PubMed 19876929 (cited by Labcorp Genetics (formerly Invitae), Labcorp).